The following is an entry in ClinVar:

NM_000827.4(GRIA1):c.390G>T (p.Gln130His)

Gene: GRIA1 (glutamate ionotropic receptor AMPA type subunit 1; plus strand). Cytogenetic location: 5q33.2.
Variant type: single nucleotide variant.
Coding change: c.390G>T on transcript NM_000827.4 (MANE Select); coding-DNA position 390, G replaced by T.
Protein change: p.Gln130His; replaces glutamine 130 with histidine.
Molecular consequence: missense variant. On other transcripts: non-coding transcript variant (2), intron variant (1).
Genome position (GRCh38, 1-based): chr5:153,647,097, G>T. VCF-style: chr5-153647097-G-T. GRCh37 (hg19) VCF-style: chr5-153026657-G-T.
Other names: c.390G>T, p.Gln130His (NM_001114183.2, NM_001364165.2); c.105G>T, p.Gln35His (NM_001258020.2); c.420G>T, p.Gln140His (NM_001258021.2, NM_001258022.2); c.183G>T, p.Gln61His (NM_001258023.1, NM_001364167.2); c.417G>T, p.Gln139His (NM_001364166.2); c.221-3233G>T (NM_001258019.2); short protein forms Q130H, Q139H, Q140H, Q35H, Q61H.
Identifiers: ClinVar variation 2655974 (VCV002655974.24), dbSNP rs2480045540, ClinGen allele CA361905412.

ClinVar aggregate classification (germline): Uncertain significance (1 of 4 stars; one submission).

Allele frequency attached by ClinVar (database versions not stated): gnomAD exomes below 0.00001.
gnomAD v4.1: 3 of 1,613,820 alleles (0.00019%); highest among the groups gnomAD compares: Non-Finnish European, 0.00025%; no homozygotes.

Submission:

CeGaT Center for Human Genetics Tuebingen
Classification: Uncertain significance. Last evaluated: 2023-07-01. Review status: criteria provided, single submitter. Criteria: CeGaT Center For Human Genetics Tuebingen Variant Classification Criteria Version 2. Collection method: clinical testing. Allele origin: germline. Affected: yes. Observed: 1 variant allele.
Comment: GRIA1: PM2